The following is an entry in ClinVar:

NM_022725.4(FANCF):c.388C>G (p.Gln130Glu)

Gene: FANCF (FA complementation group F; minus strand). Cytogenetic location: 11p14.3.
Variant type: single nucleotide variant.
Coding change: c.388C>G on transcript NM_022725.4 (MANE Select); coding-DNA position 388, C replaced by G.
Protein change: p.Gln130Glu; replaces glutamine 130 with glutamic acid.
Molecular consequence: missense variant.
Genome position (GRCh38, 1-based): chr11:22,625,423, G>C on the plus strand (C>G on the coding strand, the complement: FANCF is on the minus strand). VCF-style: chr11-22625423-G-C. GRCh37 (hg19) VCF-style: chr11-22646969-G-C.
Other names: short protein forms Q130E.
Identifiers: ClinVar variation 2100607 (VCV002100607.4), dbSNP rs753458108, ClinGen allele CA380059148.
Genomic context (GRCh38, chr11:22,625,423, plus strand): 5'-CATTGAAGCGCAGCATGTGCACCGCAGACCGCCGGCGGGCAAGGCGGGCCAGGCTCTCTT[G>C]GAGTGTCTCCTCATCGGCGTCCCGGACGCCCGGGCCGGGAAAGAGTTGCTGCACCAGGTG-3'
Protein context (NP_073562.1, residues 120-140): GVRDADEETL[Gln130Glu]ESLARLARRR

ClinVar aggregate classification (germline): Uncertain significance (1 of 4 stars; one submission).

Conditions:
Fanconi anemia (FA). Also called: Fanconi's anemia. Identifiers: Orphanet 84, MedGen C0015625, MeSH D005199, MONDO:0019391.

Submission:

Labcorp Genetics (formerly Invitae), Labcorp
Classification: Uncertain significance for Fanconi anemia. Last evaluated: 2022-02-20. Review status: criteria provided, single submitter. Criteria: Invitae Variant Classification Sherloc (09022015). Collection method: clinical testing. Allele origin: germline.
Comment: In summary, the available evidence is currently insufficient to determine the role of this variant in disease. Therefore, it has been classified as a Variant of Uncertain Significance. Algorithms developed to predict the effect of missense changes on protein structure and function are either unavailable or do not agree on the potential impact of this missense change (SIFT: "Deleterious"; PolyPhen-2: "Benign"; Align-GVGD: "Class C0"). This variant has not been reported in the literature in individuals affected with FANCF-related conditions. This variant is not present in population databases (gnomAD no frequency). This sequence change replaces glutamine, which is neutral and polar, with glutamic acid, which is acidic and polar, at codon 130 of the FANCF protein (p.Gln130Glu).